The following is an entry in ClinVar:

ClinVar aggregate classification (germline): Uncertain significance (1 of 4 stars; one submission).

Submission:

GeneDx
Classification: Uncertain significance. Last evaluated: 2020-02-07. Review status: criteria provided, single submitter. Criteria: GeneDx Variant Classification Process June 2021. Collection method: clinical testing. Allele origin: germline. Affected: yes.
Comment: Not observed in large population cohorts (Lek et al., 2016); In silico analysis supports that this missense variant has a deleterious effect on protein structure/function; Has not been previously published as pathogenic or benign to our knowledge

NM_006766.5(KAT6A):c.5594C>T (p.Pro1865Leu)

Gene: KAT6A (lysine acetyltransferase 6A; minus strand). Cytogenetic location: 8p11.21.
Variant type: single nucleotide variant.
Coding change: c.5594C>T on transcript NM_006766.5 (MANE Select); coding-DNA position 5594, C replaced by T.
Protein change: p.Pro1865Leu; replaces proline 1865 with leucine.
Molecular consequence: missense variant.
Genome position (GRCh38, 1-based): chr8:41,932,626, G>A on the plus strand (C>T on the coding strand, the complement: KAT6A is on the minus strand). VCF-style: chr8-41932626-G-A. GRCh37 (hg19) VCF-style: chr8-41790144-G-A.
Other names: short protein forms P1865L.
Identifiers: ClinVar variation 1311705 (VCV001311705.2), dbSNP rs2150854866, ClinGen allele CA371061492.